The following is an entry in ClinVar:

NM_006016.6(CD164):c.73A>G (p.Lys25Glu)

Gene: CD164 (CD164 molecule; minus strand). Cytogenetic location: 6q21.
Variant type: single nucleotide variant.
Coding change: c.73A>G on transcript NM_006016.6 (MANE Select); coding-DNA position 73, A replaced by G.
Protein change: p.Lys25Glu; replaces lysine 25 with glutamic acid.
Molecular consequence: missense variant.
Genome position (GRCh38, 1-based): chr6:109,382,306, T>C on the plus strand (A>G on the coding strand, the complement: CD164 is on the minus strand). VCF-style: chr6-109382306-T-C. GRCh37 (hg19) VCF-style: chr6-109703509-T-C.
Other names: c.73A>G, p.Lys25Glu (NM_001142401.3, NM_001142402.3, NM_001142403.3 and 1 more transcripts); short protein forms K25E.
Identifiers: ClinVar variation 3681605 (VCV003681605.2).

ClinVar aggregate classification (germline): Uncertain significance (1 of 4 stars; one submission).

gnomAD v4.1: 3 of 1,581,926 alleles (0.00019%); highest among the groups gnomAD compares: South Asian, 0.0035%; no homozygotes.

Submission:

Labcorp Genetics (formerly Invitae), Labcorp
Classification: Uncertain significance. Last evaluated: 2024-06-03. Review status: criteria provided, single submitter. Criteria: Invitae Variant Classification Sherloc (09022015). Collection method: clinical testing. Allele origin: germline.
Comment: This sequence change replaces lysine, which is basic and polar, with glutamic acid, which is acidic and polar, at codon 25 of the CD164 protein (p.Lys25Glu). This variant is not present in population databases (gnomAD no frequency). This variant has not been reported in the literature in individuals affected with CD164-related conditions. Algorithms developed to predict the effect of missense changes on protein structure and function output the following: SIFT: "Not Available"; PolyPhen-2: "Benign"; Align-GVGD: "Not Available". The glutamic acid amino acid residue is found in multiple mammalian species, which suggests that this missense change does not adversely affect protein function. In summary, the available evidence is currently insufficient to determine the role of this variant in disease. Therefore, it has been classified as a Variant of Uncertain Significance.